The following is an entry in ClinVar:

NM_017763.6(RNF43):c.1286C>G (p.Ala429Gly)

Gene: RNF43 (ring finger protein 43; minus strand). Cytogenetic location: 17q22.
Variant type: single nucleotide variant.
Coding change: c.1286C>G on transcript NM_017763.6 (MANE Select); coding-DNA position 1286, C replaced by G.
Protein change: p.Ala429Gly; replaces alanine 429 with glycine.
Molecular consequence: missense variant.
Genome position (GRCh38, 1-based): chr17:58,358,490, G>C on the plus strand (C>G on the coding strand, the complement: RNF43 is on the minus strand). VCF-style: chr17-58358490-G-C. GRCh37 (hg19) VCF-style: chr17-56435851-G-C.
Other names: c.1286C>G, p.Ala429Gly (NM_001305544.3); c.905C>G, p.Ala302Gly (NM_001305545.2); short protein forms A302G, A429G.
Identifiers: ClinVar variation 3434506 (VCV003434506.1).

ClinVar aggregate classification (germline): Uncertain significance (1 of 4 stars; one submission).

Submission:

Ambry Genetics
Classification: Uncertain significance. Last evaluated: 2024-11-23. Review status: criteria provided, single submitter. Criteria: Ambry Variant Classification Scheme 2023. Collection method: clinical testing. Allele origin: germline.
Comment: The p.A429G variant (also known as c.1286C>G), located in coding exon 8 of the RNF43 gene, results from a C to G substitution at nucleotide position 1286. The alanine at codon 429 is replaced by glycine, an amino acid with similar properties. This amino acid position is conserved. In addition, this alteration is predicted to be tolerated by in silico analysis. Based on the available evidence, the clinical significance of this variant remains unclear.